The following is an entry in ClinVar:

NM_000170.3(GLDC):c.2304G>A (p.Gly768=)

Gene: GLDC (glycine decarboxylase; minus strand). Cytogenetic location: 9p24.1.
Variant type: single nucleotide variant.
Coding change: c.2304G>A on transcript NM_000170.3 (MANE Select); coding-DNA position 2304, G replaced by A.
Protein change: p.Gly768=; no amino-acid change (glycine 768 retained).
Molecular consequence: synonymous variant.
Genome position (GRCh38, 1-based): chr9:6,554,680, C>T on the plus strand (G>A on the coding strand, the complement: GLDC is on the minus strand). VCF-style: chr9-6554680-C-T. GRCh37 (hg19) VCF-style: chr9-6554680-C-T.
Identifiers: ClinVar variation 531787 (VCV000531787.21), dbSNP rs533775952, ClinGen allele CA4980302.

ClinVar aggregate classification (germline): Likely benign. Review status: criteria provided, multiple submitters, no conflicts (2 of 4 stars). 2 submissions from 2 submitters: Likely benign (2). Last evaluated 2026-01-21.

Conditions:
Glycine encephalopathy. Also called: Non-ketotic hyperglycinemia; Nonketotic hyperglycinemia. Identifiers: Orphanet 407, MedGen C0751748, MONDO:0011612, HP:0008288.

Allele frequency attached by ClinVar (database versions not stated): gnomAD exomes 0.00003; gnomAD 0.00004 and 0.00005; TOPMed 0.00010; 1000 Genomes Project 30x 0.00016; 1000 Genomes Project 0.00020.
gnomAD v4.1: 17 of 1,609,824 alleles (0.0011%); highest among the groups gnomAD compares: Admixed American, 0.025%; no homozygotes.

Submissions (2):

Labcorp Genetics (formerly Invitae), Labcorp
Classification: Likely benign for Glycine encephalopathy. Last evaluated: 2026-01-21. Review status: criteria provided, single submitter. Criteria: Invitae Variant Classification Sherloc (09022015). Collection method: clinical testing. Allele origin: germline.

CeGaT Center for Human Genetics Tuebingen
Classification: Likely benign. Last evaluated: 2025-05-01. Review status: criteria provided, single submitter. Criteria: CeGaT Center For Human Genetics Tuebingen Variant Classification Criteria Version 2. Collection method: clinical testing. Allele origin: germline. Affected: yes. Observed: 1 variant allele.
Comment: GLDC: BP4, BP7